The following is an entry in ClinVar:

ClinVar aggregate classification (germline): Uncertain significance (1 of 4 stars; one submission).

Conditions:
Polycystic kidney disease, adult type (PKD1). Also called: Polycystic Kidney Disease 1, Autosomal Dominant; Polycystic kidney disease 1; Polycystic kidney disease 1, severe; Polycystic Kidney, Autosomal Dominant; POLYCYSTIC KIDNEY DISEASE 1 WITH OR WITHOUT POLYCYSTIC LIVER DISEASE; POLYCYSTIC KIDNEY DISEASE, ADULT, TYPE I. Identifiers: MedGen C3149841, MONDO:0008263, OMIM 173900.

gnomAD v4.1: 2 of 1,595,196 alleles (0.00013%); highest among the groups gnomAD compares: Non-Finnish European, 0.00017%; no homozygotes.

Submission:

Johns Hopkins Genomics, Johns Hopkins University
Classification: Uncertain significance for Polycystic kidney disease, adult type. Last evaluated: 2020-10-07. Review status: criteria provided, single submitter. Criteria: ACMG Guidelines, 2015. Collection method: clinical testing. Allele origin: germline.
Comment: This PKD1 variant is absent from a large population dataset and has not been reported in ClinVar nor the literature, to our knowledge. Of three bioinformatics tools queried, one predicts that the substitution would be damaging, while two predict that it would be tolerated. The glutamic acid residue at this position is highly evolutionarily conserved. Due to insufficient evidence, we consider the clinical significance of c.7867G>A to be uncertain at this time.

Literature cited by the submitters: PubMed 22034641; PubMed 31079206.

NM_001009944.3(PKD1):c.7867G>A (p.Glu2623Lys)

Gene: PKD1 (polycystin 1, transient receptor potential channel interacting; minus strand). Cytogenetic location: 16p13.3.
Variant type: single nucleotide variant.
Coding change: c.7867G>A on transcript NM_001009944.3 (MANE Select); coding-DNA position 7867, G replaced by A.
Protein change: p.Glu2623Lys; replaces glutamic acid 2623 with lysine.
Molecular consequence: missense variant.
Genome position (GRCh38, 1-based): chr16:2,105,471, C>T on the plus strand (G>A on the coding strand, the complement: PKD1 is on the minus strand). VCF-style: chr16-2105471-C-T. GRCh37 (hg19) VCF-style: chr16-2155472-C-T.
Other names: c.7867G>A, p.Glu2623Lys (NM_000296.4); short protein forms E2623K.
Identifiers: ClinVar variation 981522 (VCV000981522.1), dbSNP rs2092305182, ClinGen allele CA394366400.